The following is an entry in ClinVar:

NM_182961.4(SYNE1):c.22910G>C (p.Ser7637Thr)

Gene: SYNE1 (spectrin repeat containing nuclear envelope protein 1; minus strand). Cytogenetic location: 6q25.2.
Variant type: single nucleotide variant.
Coding change: c.22910G>C on transcript NM_182961.4 (MANE Select); coding-DNA position 22910, G replaced by C.
Protein change: p.Ser7637Thr; replaces serine 7637 with threonine.
Molecular consequence: missense variant.
Genome position (GRCh38, 1-based): chr6:152,206,277, C>G on the plus strand (G>C on the coding strand, the complement: SYNE1 is on the minus strand). VCF-style: chr6-152206277-C-G. GRCh37 (hg19) VCF-style: chr6-152527412-C-G.
Other names: c.22697G>C, p.Ser7566Thr (NM_033071.5); short protein forms S7637T, S7566T.
Identifiers: ClinVar variation 290926 (VCV000290926.21), dbSNP rs201497427, ClinGen allele CA4053756.

ClinVar aggregate classification (germline): Conflicting classifications of pathogenicity. Review status: criteria provided, conflicting classifications (1 of 4 stars). 7 submissions from 6 submitters: Uncertain significance (2); Benign (1); Likely benign (4). Last evaluated 2026-01-02.

Conditions:
Autosomal recessive ataxia, Beauce type. Also called: Spinocerebellar ataxia, autosomal recessive 8; SYNE1-Related Autosomal Recessive Cerebellar Ataxia; SYNE1 Deficiency; ATAXIA, RECESSIVE, OF BEAUCE. Identifiers: Orphanet 88644, MedGen C1853116, MONDO:0012549, OMIM 610743.
Emery-Dreifuss muscular dystrophy 4, autosomal dominant (EDMD4). Also called: EMERY-DREIFUSS MUSCULAR DYSTROPHY 4 WITH VARIABLE FEATURES. Identifiers: Orphanet 261, MedGen C2751807, MONDO:0013071, OMIM 612998.

Allele frequency attached by ClinVar (database versions not stated): TOPMed 0.00014; 1000 Genomes Project 30x 0.00016; gnomAD exomes 0.00016 and 0.00027; gnomAD 0.00017; 1000 Genomes Project 0.00020; ExAC 0.00021; ESP Exome Variant Server 0.00023.
gnomAD v4.1: 265 of 1,613,998 alleles (0.016%); highest among the groups gnomAD compares: Non-Finnish European, 0.0097%; no homozygotes.

Submissions (7):

Labcorp Genetics (formerly Invitae), Labcorp
Classification: Likely benign for Emery-Dreifuss muscular dystrophy 4, autosomal dominant; Autosomal recessive ataxia, Beauce type. Last evaluated: 2026-01-02. Review status: criteria provided, single submitter. Criteria: Invitae Variant Classification Sherloc (09022015). Collection method: clinical testing. Allele origin: germline.

Women's Health and Genetics/Laboratory Corporation of America, LabCorp
Classification: Likely benign. Last evaluated: 2025-06-30. Review status: criteria provided, single submitter. Criteria: LabCorp Variant Classification Summary - May 2015. Collection method: clinical testing. Allele origin: germline.
Comment: Variant summary: SYNE1 c.22697G>C (p.Ser7566Thr) results in a conservative amino acid change in the encoded protein sequence. Algorithms developed to predict the effect of missense changes on protein structure and function all suggest that this variant is likely to be tolerated. The variant allele was found at a frequency of 0.00025 in 282556 control chromosomes, predominantly at a frequency of 0.0042 within the Ashkenazi Jewish subpopulation in the gnomAD database. The observed variant frequency within Ashkenazi Jewish control individuals in the gnomAD database is approximately 4 fold of the estimated maximal expected allele frequency for a pathogenic variant in SYNE1 causing Autosomal recessive ataxia, Beauce type phenotype (0.0011). To our knowledge, no occurrence of c.22697G>C in individuals affected with Autosomal recessive ataxia, Beauce type and no experimental evidence demonstrating its impact on protein function have been reported. ClinVar contains an entry for this variant (Variation ID: 290926). Based on the evidence outlined above, the variant was classified as likely benign.

Athena Diagnostics
Classification: Likely benign. Last evaluated: 2025-01-21. Review status: criteria provided, single submitter. Criteria: Athena Diagnostics Criteria. Collection method: clinical testing. Allele origin: unknown.
Comment: The frequency of this variant in the general population is higher than would generally be expected for pathogenic variants in this gene. Computational tools predict this amino acid change may be benign.

Blueprint Genetics
Classification: Likely benign. Last evaluated: 2024-09-19. Review status: criteria provided, single submitter. Criteria: ACMG Guidelines, 2015. Collection method: clinical testing. Allele origin: germline.

Illumina Laboratory Services, Illumina
Classification: Uncertain significance for Autosomal recessive ataxia, Beauce type. Last evaluated: 2018-01-12. Review status: criteria provided, single submitter. Criteria: ICSL Variant Classification Criteria 13 December 2019. Collection method: clinical testing. Allele origin: germline.

Illumina Laboratory Services, Illumina
Classification: Benign for Emery-Dreifuss muscular dystrophy 4, autosomal dominant. Last evaluated: 2018-01-12. Review status: criteria provided, single submitter. Criteria: ICSL Variant Classification Criteria 13 December 2019. Collection method: clinical testing. Allele origin: germline.
Comment: This variant was observed in the ICSL laboratory as part of a predisposition screen in an ostensibly healthy population. It had not been previously curated by ICSL or reported in the Human Gene Mutation Database (HGMD: prior to June 1st, 2018), and was therefore a candidate for classification through an automated scoring system. Utilizing variant allele frequency, disease prevalence and penetrance estimates, and inheritance mode, an automated score was calculated to assess if this variant is too frequent to cause the disease. Based on the score and internal cut-off values, a variant classified as benign is not then subjected to further curation. The score for this variant resulted in a classification of benign for this disease.

Eurofins Ntd Llc (ga)
Classification: Uncertain significance. Last evaluated: 2016-08-24. Review status: criteria provided, single submitter. Criteria: EGL Classification Definitions 2015. Collection method: clinical testing. Allele origin: germline. Observed: 1 variant allele, 1 heterozygote.

Literature cited by the submitters: PubMed 27040985 (cited by Athena Diagnostics).